The following is an entry in ClinVar:

ClinVar aggregate classification (germline): Uncertain significance. Review status: criteria provided, multiple submitters, no conflicts (2 of 4 stars). 2 submissions from 2 submitters: Uncertain significance (2). Last evaluated 2025-12-01.

Conditions:
Inborn genetic diseases. Identifiers: MedGen C0950123, MeSH D030342.

gnomAD v4.1: 7 of 1,614,152 alleles (0.00043%); highest among the groups gnomAD compares: Admixed American, 0.005%; no homozygotes.

Submissions (2):

Labcorp Genetics (formerly Invitae), Labcorp
Classification: Uncertain significance. Last evaluated: 2025-12-01. Review status: criteria provided, single submitter. Criteria: Invitae Variant Classification Sherloc (09022015). Collection method: clinical testing. Allele origin: germline.
Comment: This sequence change replaces alanine, which is neutral and non-polar, with serine, which is neutral and polar, at codon 494 of the MBD4 protein (p.Ala494Ser). This variant is present in population databases (rs368537488, gnomAD 0.006%). This variant has not been reported in the literature in individuals affected with MBD4-related conditions. ClinVar contains an entry for this variant (Variation ID: 1998467). An algorithm developed to predict the effect of missense changes on protein structure and function (PolyPhen-2) suggests that this variant is likely to be disruptive. In summary, the available evidence is currently insufficient to determine the role of this variant in disease. Therefore, it has been classified as a Variant of Uncertain Significance.

Ambry Genetics
Classification: Uncertain significance for Inborn genetic diseases. Last evaluated: 2024-11-23. Review status: criteria provided, single submitter. Criteria: Ambry Variant Classification Scheme 2023. Collection method: clinical testing. Allele origin: germline.
Comment: The p.A488S variant (also known as c.1462G>T), located in coding exon 6 of the MBD4 gene, results from a G to T substitution at nucleotide position 1462. The alanine at codon 488 is replaced by serine, an amino acid with similar properties. This amino acid position is conserved. In addition, the in silico prediction for this alteration is inconclusive. Based on the available evidence, the clinical significance of this variant remains unclear.

NM_001276270.2(MBD4):c.1462G>T (p.Ala488Ser)

Gene: MBD4 (methyl-CpG binding domain 4, DNA glycosylase; minus strand). Cytogenetic location: 3q21.3.
Variant type: single nucleotide variant.
Coding change: c.1462G>T on transcript NM_001276270.2 (MANE Select); coding-DNA position 1462, G replaced by T.
Protein change: p.Ala488Ser; replaces alanine 488 with serine.
Molecular consequence: missense variant.
Genome position (GRCh38, 1-based): chr3:129,433,179, C>A on the plus strand (G>T on the coding strand, the complement: MBD4 is on the minus strand). VCF-style: chr3-129433179-C-A. GRCh37 (hg19) VCF-style: chr3-129152022-C-A.
Other names: c.1480G>T, p.Ala494Ser (NM_001276271.2, NM_001276272.2, NM_003925.3); c.526G>T, p.Ala176Ser (NM_001276273.2); short protein forms A488S, A176S, A494S.
Identifiers: ClinVar variation 1998467 (VCV001998467.5), dbSNP rs368537488, ClinGen allele CA2605286.